The following is an entry in ClinVar:

NM_004817.4(TJP2):c.1319+7T>C

Gene: TJP2 (tight junction protein 2; plus strand). Cytogenetic location: 9q21.11.
Variant type: single nucleotide variant.
Coding change: c.1319+7T>C on transcript NM_004817.4 (MANE Select); 7 bases into the intron after coding-DNA position 1319, T replaced by C.
Molecular consequence: intron variant.
Genome position (GRCh38, 1-based): chr9:69,227,880, T>C. VCF-style: chr9-69227880-T-C. GRCh37 (hg19) VCF-style: chr9-71842796-T-C.
Other names: c.1250+7T>C (NM_001170414.2, NM_001369870.1, NM_001369871.1); c.1319+7T>C (NM_201629.3, NM_001369872.1, NM_001369873.1); c.1331+7T>C (NM_001170415.1, NM_001369875.1, NM_001369874.1); c.1412+7T>C (NM_001170416.2).
Identifiers: ClinVar variation 4998564 (VCV004998564.1).

ClinVar aggregate classification (germline): Likely benign (1 of 4 stars; one submission).

Conditions:
TJP2-related disorder. Also called: TJP2-related condition.

gnomAD v4.1: 2 of 1,613,108 alleles (0.00012%); highest among the groups gnomAD compares: East Asian, 0.0045%; no homozygotes.

Submission:

PreventionGenetics, part of Exact Sciences
Classification: Likely benign for TJP2-related condition. Last evaluated: 2025-01-27. Review status: criteria provided, single submitter. Criteria: ACMG Guidelines, 2015. Collection method: clinical testing. Allele origin: germline.
Comment: This variant is classified as likely benign based on ACMG/AMP sequence variant interpretation guidelines (Richards et al. 2015 PMID: 25741868, with internal and published modifications).